The following is an entry in ClinVar:

ClinVar aggregate classification (germline): Likely benign. Review status: criteria provided, multiple submitters, no conflicts (2 of 4 stars). 2 submissions from 2 submitters: Likely benign (2). Last evaluated 2025-12-02.

Conditions:
LRP2-related disorder. Also called: LRP2-related condition.

Allele frequency attached by ClinVar (database versions not stated): ExAC 0.00003; gnomAD exomes 0.00003; TOPMed 0.00003; gnomAD 0.00005.
gnomAD v4.1: 61 of 1,613,994 alleles (0.0038%); highest among the groups gnomAD compares: Non-Finnish European, 0.0045%; no homozygotes.

Submissions (2):

Labcorp Genetics (formerly Invitae), Labcorp
Classification: Likely benign. Last evaluated: 2025-12-02. Review status: criteria provided, single submitter. Criteria: Invitae Variant Classification Sherloc (09022015). Collection method: clinical testing. Allele origin: germline.

PreventionGenetics, part of Exact Sciences
Classification: Likely benign for LRP2-related condition. Last evaluated: 2025-02-19. Review status: criteria provided, single submitter. Criteria: ACMG Guidelines, 2015. Collection method: clinical testing. Allele origin: germline.
Comment: This variant is classified as likely benign based on ACMG/AMP sequence variant interpretation guidelines (Richards et al. 2015 PMID: 25741868, with internal and published modifications).

NM_004525.3(LRP2):c.12564T>C (p.Ala4188=)

Gene: LRP2 (LDL receptor related protein 2; minus strand). Cytogenetic location: 2q31.1.
Variant type: single nucleotide variant.
Coding change: c.12564T>C on transcript NM_004525.3 (MANE Select); coding-DNA position 12564, T replaced by C.
Protein change: p.Ala4188=; no amino-acid change (alanine 4188 retained).
Molecular consequence: synonymous variant.
Genome position (GRCh38, 1-based): chr2:169,150,924, A>G on the plus strand (T>C on the coding strand, the complement: LRP2 is on the minus strand). VCF-style: chr2-169150924-A-G. GRCh37 (hg19) VCF-style: chr2-170007434-A-G.
Other names: c.12564T>C (NM_004525.2).
Identifiers: ClinVar variation 2047037 (VCV002047037.5), dbSNP rs767829235, ClinGen allele CA1952784.